The following is an entry in ClinVar:

NM_033402.5(LRRCC1):c.1549C>T (p.His517Tyr)

Gene: LRRCC1 (leucine rich repeat and coiled-coil centrosomal protein 1; plus strand). Cytogenetic location: 8q21.2.
Variant type: single nucleotide variant.
Coding change: c.1549C>T on transcript NM_033402.5 (MANE Select); coding-DNA position 1549, C replaced by T.
Protein change: p.His517Tyr; replaces histidine 517 with tyrosine.
Molecular consequence: missense variant.
Genome position (GRCh38, 1-based): chr8:85,129,302, C>T. VCF-style: chr8-85129302-C-T. GRCh37 (hg19) VCF-style: chr8-86041537-C-T.
Other names: c.1270C>T, p.His424Tyr (NM_001349636.2); c.1123C>T, p.His375Tyr (NM_001349637.2); c.652C>T, p.His218Tyr (NM_001349638.2); c.412C>T, p.His138Tyr (NM_001349639.2); short protein forms H138Y, H517Y, H218Y, H375Y, H424Y.
Identifiers: ClinVar variation 3656351 (VCV003656351.2).
Genomic context (GRCh38, chr8:85,129,302, plus strand): 5'-CAAAATGAAATTAAAAAACTGACTGTTGAACTAATGAAAGCAAAAGATCAACAAGAGGAT[C>T]ACCTTAAACACTTAAGAACCCTCGAAAAAACATTAGAAAAAATGGAGAGACAAAAAAGGC-3'
Protein context (NP_208325.3, residues 507-527): LMKAKDQQED[His517Tyr]LKHLRTLEKT

ClinVar aggregate classification (germline): Uncertain significance (1 of 4 stars; one submission).

Submission:

Labcorp Genetics (formerly Invitae), Labcorp
Classification: Uncertain significance. Last evaluated: 2024-06-19. Review status: criteria provided, single submitter. Criteria: Invitae Variant Classification Sherloc (09022015). Collection method: clinical testing. Allele origin: germline.
Comment: This sequence change replaces histidine, which is basic and polar, with tyrosine, which is neutral and polar, at codon 517 of the LRRCC1 protein (p.His517Tyr). This variant is not present in population databases (gnomAD no frequency). This variant has not been reported in the literature in individuals affected with LRRCC1-related conditions. An algorithm developed to predict the effect of missense changes on protein structure and function (PolyPhen-2) suggests that this variant is likely to be tolerated. In summary, the available evidence is currently insufficient to determine the role of this variant in disease. Therefore, it has been classified as a Variant of Uncertain Significance.